The following is an entry in ClinVar:

NM_030773.4(TUBB1):c.1199G>A (p.Ser400Asn)

Gene: TUBB1 (tubulin beta 1 class VI; plus strand). Cytogenetic location: 20q13.32.
Variant type: single nucleotide variant.
Coding change: c.1199G>A on transcript NM_030773.4 (MANE Select); coding-DNA position 1199, G replaced by A.
Protein change: p.Ser400Asn; replaces serine 400 with asparagine.
Molecular consequence: missense variant.
Genome position (GRCh38, 1-based): chr20:59,024,626, G>A. VCF-style: chr20-59024626-G-A. GRCh37 (hg19) VCF-style: chr20-57599681-G-A.
Other names: short protein forms S400N.
Identifiers: ClinVar variation 1684355 (VCV001684355.1), dbSNP rs781589173, ClinGen allele CA316329994.

ClinVar aggregate classification (germline): Uncertain significance (0 of 4 stars; one submission).

Conditions:
Macrothrombocytopenia, isolated, 1, autosomal dominant (MACTHC1). Also called: Autosomal dominant macrothrombocytopenia TUBB1-related. Identifiers: Orphanet 140957, MedGen C5676892, MONDO:0800047, OMIM 613112.

Allele frequency attached by ClinVar (database versions not stated): gnomAD exomes below 0.00001 and 0.00003; TOPMed 0.00002; gnomAD 0.00003.
gnomAD v4.1: 52 of 1,614,080 alleles (0.0032%); highest among the groups gnomAD compares: Non-Finnish European, 0.0038%; no homozygotes.

Submission:

ISTH-SSC Genomics in Thrombosis and Hemostasis, KU Leuven, Center for Molecular and Vascular Biology
Classification: Uncertain significance for Macrothrombocytopenia, isolated, 1, autosomal dominant. Review status: no assertion criteria provided. Collection method: research. Allele origin: unknown. Affected: yes.
Comment: Submitted to GoldVariant by Neil Morgan from Birmingham Platelet Group, Birmingham, UK